The following is an entry in ClinVar:

NM_020843.4(SCAPER):c.3078G>A (p.Thr1026=)

Gene: SCAPER (S-phase cyclin A associated protein in the ER; minus strand). Cytogenetic location: 15q24.3.
Variant type: single nucleotide variant.
Coding change: c.3078G>A on transcript NM_020843.4 (MANE Select); coding-DNA position 3078, G replaced by A.
Protein change: p.Thr1026=; no amino-acid change (threonine 1026 retained).
Molecular consequence: synonymous variant. On other transcripts: non-coding transcript variant (1).
Genome position (GRCh38, 1-based): chr15:76,471,212, C>T on the plus strand (G>A on the coding strand, the complement: SCAPER is on the minus strand). VCF-style: chr15-76471212-C-T. GRCh37 (hg19) VCF-style: chr15-76763553-C-T.
Other names: NC_000015.9:g.76763553C>T; c.2340G>A, p.Thr780= (NM_001145923.2); c.3096G>A, p.Thr1032= (NM_001353009.2); c.2676G>A, p.Thr892= (NM_001353010.2, NM_001353012.2); c.2694G>A, p.Thr898= (NM_001353011.2); c.3096G>A (NM_001353009.1).
Identifiers: ClinVar variation 4405989 (VCV004405989.3).

ClinVar aggregate classification (germline): Uncertain significance. Review status: criteria provided, multiple submitters, no conflicts (2 of 4 stars). 2 submissions from 2 submitters: Uncertain significance (2). Last evaluated 2026-08-12.

Conditions:
SCAPER-related disorder. Also called: SCAPER-related condition.

gnomAD v4.1: 53 of 1,600,942 alleles (0.0033%); highest among the groups gnomAD compares: Non-Finnish European, 0.0041%; no homozygotes.

Submissions (3):

PreventionGenetics, part of Exact Sciences
Classification: Uncertain significance for SCAPER-related condition. Last evaluated: 2026-08-12. Review status: criteria provided, single submitter. Criteria: ACMG Guidelines, 2015. Collection method: clinical testing. Allele origin: germline.
Comment: The SCAPER c.3096G>A variant is not predicted to result in an amino acid change (p.=). To our knowledge, this variant has not been reported in the literature. This variant is reported in 0.0042% of alleles in individuals of African descent in gnomAD. At this time, the clinical significance of this variant is uncertain due to the absence of conclusive functional and genetic evidence.

Blueprint Genetics
Classification: Uncertain significance. Last evaluated: 2021-12-22. Review status: criteria provided, single submitter. Criteria: ACMG Guidelines, 2015. Collection method: clinical testing. Allele origin: germline.

Dr. Peter K. Rogan Lab, Western University
No classification provided (evidence only). Condition: Ovarian serous cystadenocarcinoma. Review status: no classification provided. Collection method: in vitro. Allele origin: not applicable. Functional consequence: retained intron. Not counted in ClinVar's aggregate classification.